The following is an entry in ClinVar:

ClinVar aggregate classification (germline): Uncertain significance (0 of 4 stars; one submission).

Conditions:
Polycystic kidney disease. Also called: Polycystic kidney dysplasia; Kidney, Polycystic. Identifiers: MedGen C0022680, MeSH D007690, MONDO:0020642, HP:0000113.

Allele frequency attached by ClinVar (database versions not stated): TOPMed 0.00001.

Submission:

Department of Pathology and Laboratory Medicine, Sinai Health System
Classification: Uncertain significance for Polycystic Kidney disease. Review status: no assertion criteria provided. Collection method: clinical testing. Allele origin: unknown. Affected: yes. Study: The Canadian Open Genetics Repository (COGR).
Comment: The PKD1 p.His3923Pro variant was not identified in the literature nor was it identified in the dbSNP, ClinVar, COGR, LOVD 3.0, ADPKD Mutation Database, PKD1-LOVD, the 1000 Genomes Project, the NHLBI GO Exome Sequencing Project, the Exome Aggregation Consortium (August 8th 2016), or the Genome Aggregation Database (Feb 27, 2017). The p.His3923 residue is not conserved in mammals and computational analyses (PolyPhen-2, SIFT, AlignGVGD, BLOSUM, MutationTaster) provide inconsistent predictions regarding the impact to the protein; this information is not very predictive of pathogenicity. The variant occurs outside of the splicing consensus sequence and in silico or computational prediction software programs (SpliceSiteFinder, MaxEntScan, NNSPLICE, GeneSplicer, HumanSpliceFinder) do not predict a difference in splicing. In summary, based on the above information the clinical significance of this variant cannot be determined with certainty at this time. This variant is classified as a variant of uncertain significance.

NM_001009944.3(PKD1):c.11768A>C (p.His3923Pro)

Gene: PKD1 (polycystin 1, transient receptor potential channel interacting; minus strand). Cytogenetic location: 16p13.3.
Variant type: single nucleotide variant.
Coding change: c.11768A>C on transcript NM_001009944.3 (MANE Select); coding-DNA position 11768, A replaced by C.
Protein change: p.His3923Pro; replaces histidine 3923 with proline.
Molecular consequence: missense variant.
Genome position (GRCh38, 1-based): chr16:2,091,119, T>G on the plus strand (A>C on the coding strand, the complement: PKD1 is on the minus strand). VCF-style: chr16-2091119-T-G. GRCh37 (hg19) VCF-style: chr16-2141120-T-G.
Other names: c.11765A>C, p.His3922Pro (NM_000296.4); short protein forms H3922P, H3923P.
Identifiers: ClinVar variation 997251 (VCV000997251.1), dbSNP rs1472012498, ClinGen allele CA394330056.